The following is an entry in ClinVar:

ClinVar aggregate classification (germline): Uncertain significance (1 of 4 stars; one submission).

Allele frequency attached by ClinVar (database versions not stated): gnomAD 0.00001.

Submission:

GeneDx
Classification: Uncertain significance. Last evaluated: 2023-12-11. Review status: criteria provided, single submitter. Criteria: GeneDx Variant Classification Process June 2021. Collection method: clinical testing. Allele origin: germline. Affected: yes.
Comment: Not observed at significant frequency in large population cohorts (gnomAD); In silico analysis supports that this missense variant has a deleterious effect on protein structure/function; Has not been previously published as pathogenic or benign to our knowledge

NM_001458.5(FLNC):c.5033T>C (p.Val1678Ala)

Gene: FLNC (filamin C; plus strand). Cytogenetic location: 7q32.1.
Variant type: single nucleotide variant.
Coding change: c.5033T>C on transcript NM_001458.5 (MANE Select); coding-DNA position 5033, T replaced by C.
Protein change: p.Val1678Ala; replaces valine 1678 with alanine.
Molecular consequence: missense variant.
Genome position (GRCh38, 1-based): chr7:128,849,412, T>C. VCF-style: chr7-128849412-T-C. GRCh37 (hg19) VCF-style: chr7-128489466-T-C.
Other names: c.5033T>C, p.Val1678Ala (NM_001127487.2); short protein forms V1678A.
Identifiers: ClinVar variation 3253349 (VCV003253349.1), dbSNP rs1585164548.